The following is an entry in ClinVar:

NM_005739.4(RASGRP1):c.512C>T (p.Thr171Ile)

Gene: RASGRP1 (RAS guanyl releasing protein 1; minus strand). Cytogenetic location: 15q14.
Variant type: single nucleotide variant.
Coding change: c.512C>T on transcript NM_005739.4 (MANE Select); coding-DNA position 512, C replaced by T.
Protein change: p.Thr171Ile; replaces threonine 171 with isoleucine.
Molecular consequence: missense variant.
Genome position (GRCh38, 1-based): chr15:38,518,301, G>A on the plus strand (C>T on the coding strand, the complement: RASGRP1 is on the minus strand). VCF-style: chr15-38518301-G-A. GRCh37 (hg19) VCF-style: chr15-38810502-G-A.
Other names: c.512C>T, p.Thr171Ile (NM_001128602.2, NM_001306086.2); short protein forms T171I.
Identifiers: ClinVar variation 1491616 (VCV001491616.4), dbSNP rs2141126220, ClinGen allele CA391655389.
Genomic context (GRCh38, chr15:38,518,301, plus strand): 5'-ATTACAGGAGGGAGGTGGTTTCGAAAGATGAGTCAAGACCTTGACACTCACATTTGAGTT[G>A]TGTCAATCAGGCGGCAATGTAACTCCTCACCCTTAGCTTTCACCAGTTCCTGAAACTCCT-3'
Protein context (NP_005730.2, residues 161-181): GEELHCRLID[Thr171Ile]TQINARDWSR

ClinVar aggregate classification (germline): Uncertain significance (1 of 4 stars; one submission).

Submission:

Labcorp Genetics (formerly Invitae), Labcorp
Classification: Uncertain significance. Last evaluated: 2021-10-13. Review status: criteria provided, single submitter. Criteria: Invitae Variant Classification Sherloc (09022015). Collection method: clinical testing. Allele origin: germline.
Comment: In summary, the available evidence is currently insufficient to determine the role of this variant in disease. Therefore, it has been classified as a Variant of Uncertain Significance. Algorithms developed to predict the effect of missense changes on protein structure and function are either unavailable or do not agree on the potential impact of this missense change (SIFT: "Tolerated"; PolyPhen-2: "Possibly Damaging"; Align-GVGD: "Class C0"). This variant has not been reported in the literature in individuals affected with RASGRP1-related conditions. This variant is not present in population databases (ExAC no frequency). This sequence change replaces threonine with isoleucine at codon 171 of the RASGRP1 protein (p.Thr171Ile). The threonine residue is highly conserved and there is a moderate physicochemical difference between threonine and isoleucine.